The following is an entry in ClinVar:

ClinVar aggregate classification (germline): Pathogenic (1 of 4 stars; one submission).

Conditions:
Hereditary cancer-predisposing syndrome. Also called: Hereditary Cancer Syndrome; Neoplastic Syndromes, Hereditary; Hereditary neoplastic syndrome; Tumor predisposition. Identifiers: Orphanet 140162, MedGen C0027672, MeSH D009386, MONDO:0015356.

Submission:

Ambry Genetics
Classification: Pathogenic for Hereditary cancer-predisposing syndrome. Last evaluated: 2014-07-30. Review status: criteria provided, single submitter. Criteria: Ambry Autosomal Dominant and X-Linked criteria (10/2015). Collection method: clinical testing. Allele origin: germline. Observed: 1 variant allele.
Comment: The c.862-2A>C intronic pathogenic mutation results from an A to C substitution two nucleotides upstream from coding exon 9 in the RB1 gene. This alteration was not reported in population based cohorts in the following databases: Database of Single Nucleotide Polymorphisms (dbSNP), NHLBI Exome Sequencing Project (ESP), and 1000 Genomes Project. In the ESP, this variant was not observed in 6273 samples (12,546 alleles) with coverage at this position. This nucleotide position is highly conserved in available vertebrate species. Using the BDGP and ESEfinder splice site prediction tools, this alteration is predicted to abolish the native acceptor splice site; however, direct evidence is unavailable.<span style="background-color: initial;">In addition, alterations that disrupt the canonical splice acceptor site are typically deleterious in nature (ACMG Recommendations for Standards for Interpretation and Reporting of Sequence Variations. Revision 2007. Genet Med. 2008;10:294). Based on the available evidence, c.862-2A>C is classified as a pathogenic mutation.<span style="background-color: initial;">

NM_000321.3(RB1):c.862-2A>C

Gene: RB1 (RB transcriptional corepressor 1; plus strand). Cytogenetic location: 13q14.2.
Variant type: single nucleotide variant.
Coding change: c.862-2A>C on transcript NM_000321.3 (MANE Select); the canonical splice acceptor site of the intron before coding-DNA position 862, A replaced by C.
Molecular consequence: splice acceptor variant.
Genome position (GRCh38, 1-based): chr13:48,364,892, A>C. VCF-style: chr13-48364892-A-C. GRCh37 (hg19) VCF-style: chr13-48939028-A-C.
Other names: c.862-2A>C (NM_001407165.1, NM_001407166.1).
Identifiers: ClinVar variation 428744 (VCV000428744.3), dbSNP rs1131690914, ClinGen allele CA388159814.